The following is an entry in ClinVar:

NM_004006.3(DMD):c.244C>T (p.Arg82Trp)

Gene: DMD (dystrophin; minus strand). Cytogenetic location: Xp21.1.
Variant type: single nucleotide variant.
Coding change: c.244C>T on transcript NM_004006.3 (MANE Select); coding-DNA position 244, C replaced by T.
Protein change: p.Arg82Trp; replaces arginine 82 with tryptophan.
Molecular consequence: missense variant. On other transcripts: 5 prime UTR variant (1).
Genome position (GRCh38, 1-based): chrX:32,844,803, G>A on the plus strand (C>T on the coding strand, the complement: DMD is on the minus strand). VCF-style: chrX-32844803-G-A. GRCh37 (hg19) VCF-style: chrX-32862920-G-A.
Other names: c.220C>T, p.Arg74Trp (NM_000109.4); c.232C>T, p.Arg78Trp (NM_004009.3); c.-126C>T (NM_004010.3); short protein forms R82W, R78W, R74W.
Identifiers: ClinVar variation 964924 (VCV000964924.10), dbSNP rs772546251, ClinGen allele CA10380219.

ClinVar aggregate classification (germline): Conflicting classifications of pathogenicity. Review status: criteria provided, conflicting classifications (1 of 4 stars). 4 submissions from 4 submitters: Uncertain significance (2); Benign (1). 1 of the submissions does not count toward it. Last evaluated 2026-01-03.

Conditions:
Duchenne muscular dystrophy (DMD). Also called: Duchenne Muscular Dystrophy (DMD); MUSCULAR DYSTROPHY, PSEUDOHYPERTROPHIC PROGRESSIVE, DUCHENNE TYPE. Identifiers: Orphanet 98896, MedGen C0013264, MONDO:0010679, OMIM 310200.
Cardiomyopathy (CMYO). Also called: Cardiomyopathies. Identifiers: Orphanet 167848, MedGen C0878544, MONDO:0004994, HP:0001638. Inheritance: Various modes of inheritance.
Dystrophin deficiency.
Becker muscular dystrophy (BMD). Also called: MUSCULAR DYSTROPHY, PSEUDOHYPERTROPHIC PROGRESSIVE, BECKER TYPE; Becker Muscular Dystrophy (BMD). Identifiers: Orphanet 98895, MedGen C0917713, MONDO:0010311, OMIM 300376.
Cardiovascular phenotype. Identifiers: MedGen CN230736.

Allele frequency attached by ClinVar (database versions not stated): ExAC 0.00001; gnomAD exomes 0.00001; gnomAD 0.00004 and 0.00005; TOPMed 0.00008.
gnomAD v4.1: 11 of 1,208,947 alleles (0.00091%); highest among the groups gnomAD compares: Admixed American, 0.0087%; no homozygotes.

Submissions (4):

Labcorp Genetics (formerly Invitae), Labcorp
Classification: Benign for Duchenne muscular dystrophy. Last evaluated: 2026-01-03. Review status: criteria provided, single submitter. Criteria: Invitae Variant Classification Sherloc (09022015). Collection method: clinical testing. Allele origin: germline.

Blueprint Genetics
Classification: Uncertain significance. Last evaluated: 2023-10-11. Review status: criteria provided, single submitter. Criteria: ACMG Guidelines, 2015. Collection method: clinical testing. Allele origin: germline.

Ambry Genetics
Classification: Uncertain significance for Cardiovascular phenotype. Last evaluated: 2021-07-29. Review status: criteria provided, single submitter. Criteria: Ambry Variant Classification Scheme 2023. Collection method: clinical testing. Allele origin: germline.
Comment: The p.R82W variant (also known as c.244C>T), located in coding exon 4 of the DMD gene, results from a C to T substitution at nucleotide position 244. The arginine at codon 82 is replaced by tryptophan, an amino acid with dissimilar properties. Based on data from gnomAD, the T allele has an overall frequency of 0.001091% (2/183317) total alleles studied, with 0 hemizygote(s) observed. The highest observed frequency was 0.007599% (1/13160) of African American alleles. This amino acid position is poorly conserved in available vertebrate species. In addition, the in silico prediction for this alteration is inconclusive. Since supporting evidence is limited at this time, the clinical significance of this alteration remains unclear.

Natera, Inc.
Classification: Uncertain significance for Becker muscular dystrophy; Cardiomyopathy; Duchenne muscular dystrophy; Dystrophin deficiency. Last evaluated: 2018-11-29. Review status: no assertion criteria provided. Collection method: clinical testing. Allele origin: germline. Not counted in ClinVar's aggregate classification.